The following is an entry in ClinVar:

NM_001164277.2(SLC37A4):c.959T>C (p.Val320Ala)

Gene: SLC37A4 (solute carrier family 37 member 4; minus strand). Cytogenetic location: 11q23.3.
Variant type: single nucleotide variant.
Coding change: c.959T>C on transcript NM_001164277.2 (MANE Select); coding-DNA position 959, T replaced by C.
Protein change: p.Val320Ala; replaces valine 320 with alanine.
Molecular consequence: missense variant.
Genome position (GRCh38, 1-based): chr11:119,025,992, A>G on the plus strand (T>C on the coding strand, the complement: SLC37A4 is on the minus strand). VCF-style: chr11-119025992-A-G. GRCh37 (hg19) VCF-style: chr11-118896702-A-G.
Other names: c.959T>C, p.Val320Ala (NM_001164278.2, NM_001164280.2, NM_001467.6); c.740T>C, p.Val247Ala (NM_001164279.2); short protein forms V247A, V320A.
Identifiers: ClinVar variation 4737905 (VCV004737905.1).
Genomic context (GRCh38, chr11:119,025,992, plus strand): 5'-TGTGCCCTGCCGTGAGCCAGGCCTTTCTTAATTACCTTGGGGGAGTCACTGGTCACTGTT[A>G]CCCGGAAGAGGTACATGGACACTGTCATGCCAGCCATCATGAACAGCAACAGGCCATGGC-3'
Protein context (NP_001157749.1, residues 310-330): GMTVSMYLFR[Val320Ala]TVTSDSPKLW

ClinVar aggregate classification (germline): Uncertain significance (1 of 4 stars; one submission).

Conditions:
Glucose-6-phosphate transport defect (GSD1B). Also called: Glycogen Storage Disease Type Ib; GSD Ib. Identifiers: Orphanet 364, Orphanet 79259, MedGen C0268146, MONDO:0009288, OMIM 232220.

Submission:

Labcorp Genetics (formerly Invitae), Labcorp
Classification: Uncertain significance for Glucose-6-phosphate transport defect. Last evaluated: 2025-06-10. Review status: criteria provided, single submitter. Criteria: Invitae Variant Classification Sherloc (09022015). Collection method: clinical testing. Allele origin: germline.
Comment: This sequence change replaces valine, which is neutral and non-polar, with alanine, which is neutral and non-polar, at codon 320 of the SLC37A4 protein (p.Val320Ala). This variant is not present in population databases (gnomAD no frequency). This variant has not been reported in the literature in individuals affected with SLC37A4-related conditions. Invitae Evidence Modeling of protein sequence and biophysical properties (such as structural, functional, and spatial information, amino acid conservation, physicochemical variation, residue mobility, and thermodynamic stability) indicates that this missense variant is not expected to disrupt SLC37A4 protein function with a negative predictive value of 80%. In summary, the available evidence is currently insufficient to determine the role of this variant in disease. Therefore, it has been classified as a Variant of Uncertain Significance.